The following is an entry in ClinVar:

ClinVar aggregate classification (germline): Benign (1 of 4 stars; one submission).

Allele frequency attached by ClinVar (database versions not stated): TOPMed 0.50287; gnomAD 0.50666; 1000 Genomes Project 0.51398; 1000 Genomes Project 30x 0.51796.
gnomAD v4.1: 319,541 of 648,196 alleles (49%); highest among the groups gnomAD compares: Middle Eastern, 55%; 79,842 homozygotes.

Submission:

Unidad de Genómica Garrahan, Hospital de Pediatría Garrahan
Classification: Benign. Last evaluated: 2024-01-24. Review status: criteria provided, single submitter. Criteria: ACMG Guidelines, 2015. Collection method: clinical testing. Allele origin: germline. Affected: no. Observed: 20 variant alleles.
Comment: This variant is classified as Benign based on local population frequency. This variant was detected in 21% of patients studied by a panel of primary immunodeficiencies. Number of patients: 20. Only high quality variants are reported.

NM_005565.5(LCP2):c.958-125A>G

Gene: LCP2 (lymphocyte cytosolic protein 2; minus strand). Cytogenetic location: 5q35.1.
Variant type: single nucleotide variant.
Coding change: c.958-125A>G on transcript NM_005565.5 (MANE Select); 125 bases into the intron before coding-DNA position 958, A replaced by G.
Molecular consequence: intron variant.
Genome position (GRCh38, 1-based): chr5:170,259,003, T>C on the plus strand (A>G on the coding strand, the complement: LCP2 is on the minus strand). VCF-style: chr5-170259003-T-C. GRCh37 (hg19) VCF-style: chr5-169686007-T-C.
Identifiers: ClinVar variation 2688341 (VCV002688341.2), dbSNP rs432621, ClinGen allele CA132019198.